The following is an entry in ClinVar:

NM_000044.6(AR):c.1368T>C (p.Gly456=)

Gene: AR (androgen receptor; plus strand). Cytogenetic location: Xq12.
Variant type: single nucleotide variant.
Coding change: c.1368T>C on transcript NM_000044.6 (MANE Select); coding-DNA position 1368, T replaced by C.
Protein change: p.Gly456=; no amino-acid change (glycine 456 retained).
Molecular consequence: synonymous variant. On other transcripts: 5 prime UTR variant (1).
Genome position (GRCh38, 1-based): chrX:67,546,514, T>C. VCF-style: chrX-67546514-T-C. GRCh37 (hg19) VCF-style: chrX-66766356-T-C.
Other names: c.-416T>C (NM_001011645.3); c.1368T>C, p.Gly456= (NM_001348061.1, NM_001348063.1, NM_001348064.1).
Identifiers: ClinVar variation 703245 (VCV000703245.34), dbSNP rs866187574, ClinGen allele CA330757171.
Genomic context (GRCh38, chrX:67,546,514, plus strand): 5'-CACTCTCTTCACAGCCGAAGAAGGCCAGTTGTATGGACCGTGTGGTGGTGGTGGGGGTGG[T>C]GGCGGCGGCGGCGGCGGCGGCGGCGGCGGCGGCGGCGGCGGCGGCGGCGGCGAGGCGGGA-3'
Protein context (NP_000035.2, residues 446-466): LYGPCGGGGG[Gly456=]GGGGGGGGGG

ClinVar aggregate classification (germline): Likely benign. Review status: criteria provided, multiple submitters, no conflicts (2 of 4 stars). 4 submissions from 4 submitters: Likely benign (4). Last evaluated 2024-09-23.

Conditions:
Androgen resistance syndrome (AIS). Also called: Androgen insensitivity syndrome due to coactivator deficiency; Androgen insensitivity syndrome; ANDROGEN RECEPTOR DEFICIENCY; TESTICULAR FEMINIZATION SYNDROME; Androgen insensitivity; DHTR DEFICIENCY. Identifiers: Orphanet 754, Orphanet 99429, MedGen C0039585, MONDO:0019154, OMIM 300068. Disease mechanism: loss of function.
Kennedy disease (SMAX1). Also called: Spinal and Bulbar Muscular Atrophy; SPINAL AND BULBAR MUSCULAR ATROPHY, X-LINKED 1; KENNEDY SPINAL AND BULBAR MUSCULAR ATROPHY. Identifiers: Orphanet 481, MedGen C1839259, MONDO:0010735, OMIM 313200.

Allele frequency attached by ClinVar (database versions not stated): gnomAD 0.00015 and 0.00025.

Submissions (4):

Labcorp Genetics (formerly Invitae), Labcorp
Classification: Likely benign for Kennedy disease; Androgen resistance syndrome. Last evaluated: 2024-09-23. Review status: criteria provided, single submitter. Criteria: Invitae Variant Classification Sherloc (09022015). Collection method: clinical testing. Allele origin: germline.

Blueprint Genetics
Classification: Likely benign. Last evaluated: 2023-12-04. Review status: criteria provided, single submitter. Criteria: ACMG Guidelines, 2015. Collection method: clinical testing. Allele origin: germline.

CeGaT Center for Human Genetics Tuebingen
Classification: Likely benign. Last evaluated: 2023-04-01. Review status: criteria provided, single submitter. Criteria: CeGaT Center For Human Genetics Tuebingen Variant Classification Criteria Version 2. Collection method: clinical testing. Allele origin: germline. Affected: yes. Observed: 2 variant alleles.
Comment: AR: BP4

Breakthrough Genomics
Classification: Likely benign. Review status: criteria provided, single submitter. Criteria: ACMG Guidelines, 2015. Collection method: not provided. Allele origin: germline. Inheritance: X-linked inheritance. Affected: yes.